The following is an entry in ClinVar:

ClinVar aggregate classification (germline): Likely benign (1 of 4 stars; one submission).

Conditions:
PKD1-related disorder. Also called: PKD1-related condition.

Submission:

PreventionGenetics, part of Exact Sciences
Classification: Likely benign for PKD1-related condition. Last evaluated: 2026-05-04. Review status: criteria provided, single submitter. Criteria: ACMG Guidelines, 2015. Collection method: clinical testing. Allele origin: germline.
Comment: This variant is classified as likely benign based on ACMG/AMP sequence variant interpretation guidelines (Richards et al. 2015 PMID: 25741868, with internal and published modifications).

NM_001009944.3(PKD1):c.9315G>A (p.Arg3105=)

Gene: PKD1 (polycystin 1, transient receptor potential channel interacting; minus strand). Cytogenetic location: 16p13.3.
Variant type: single nucleotide variant.
Coding change: c.9315G>A on transcript NM_001009944.3 (MANE Select); coding-DNA position 9315, G replaced by A.
Protein change: p.Arg3105=; no amino-acid change (arginine 3105 retained).
Molecular consequence: synonymous variant.
Genome position (GRCh38, 1-based): chr16:2,102,143, C>T on the plus strand (G>A on the coding strand, the complement: PKD1 is on the minus strand). VCF-style: chr16-2102143-C-T. GRCh37 (hg19) VCF-style: chr16-2152144-C-T.
Other names: c.9315G>A, p.Arg3105= (NM_000296.4).
Identifiers: ClinVar variation 4994170 (VCV004994170.1).